The following is an entry in ClinVar:

NM_182920.2(ADAMTS9):c.5050G>A (p.Gly1684Ser)

Gene: ADAMTS9 (ADAM metallopeptidase with thrombospondin type 1 motif 9; minus strand). Cytogenetic location: 3p14.1.
Variant type: single nucleotide variant.
Coding change: c.5050G>A on transcript NM_182920.2 (MANE Select); coding-DNA position 5050, G replaced by A.
Protein change: p.Gly1684Ser; replaces glycine 1684 with serine.
Molecular consequence: missense variant.
Genome position (GRCh38, 1-based): chr3:64,546,772, C>T on the plus strand (G>A on the coding strand, the complement: ADAMTS9 is on the minus strand). VCF-style: chr3-64546772-C-T. GRCh37 (hg19) VCF-style: chr3-64532448-C-T.
Other names: c.4966G>A, p.Gly1656Ser (NM_001318781.2); short protein forms G1656S, G1684S.
Identifiers: ClinVar variation 1909330 (VCV001909330.5), dbSNP rs751751974, ClinGen allele CA2480305.

ClinVar aggregate classification (germline): Uncertain significance (1 of 4 stars; one submission).

Allele frequency attached by ClinVar (database versions not stated): gnomAD exomes 0.00001; ExAC 0.00002.
gnomAD v4.1: 14 of 1,604,030 alleles (0.00087%); highest among the groups gnomAD compares: East Asian, 0.029%; no homozygotes.

Submission:

Labcorp Genetics (formerly Invitae), Labcorp
Classification: Uncertain significance. Last evaluated: 2022-09-21. Review status: criteria provided, single submitter. Criteria: Invitae Variant Classification Sherloc (09022015). Collection method: clinical testing. Allele origin: germline.
Comment: Algorithms developed to predict the effect of sequence changes on RNA splicing suggest that this variant may disrupt the consensus splice site. In summary, the available evidence is currently insufficient to determine the role of this variant in disease. Therefore, it has been classified as a Variant of Uncertain Significance. Algorithms developed to predict the effect of missense changes on protein structure and function output the following: SIFT: "Tolerated"; PolyPhen-2: "Possibly Damaging"; Align-GVGD: "Class C0". The serine amino acid residue is found in multiple mammalian species, which suggests that this missense change does not adversely affect protein function. This sequence change replaces glycine, which is neutral and non-polar, with serine, which is neutral and polar, at codon 1684 of the ADAMTS9 protein (p.Gly1684Ser). This variant is present in population databases (rs751751974, gnomAD 0.02%). This variant has not been reported in the literature in individuals affected with ADAMTS9-related conditions.